The following is an entry in ClinVar:

NM_000256.3(MYBPC3):c.2555T>C (p.Ile852Thr)

Gene: MYBPC3 (myosin binding protein C3; minus strand). Cytogenetic location: 11p11.2.
Variant type: single nucleotide variant.
Coding change: c.2555T>C on transcript NM_000256.3 (MANE Select); coding-DNA position 2555, T replaced by C.
Protein change: p.Ile852Thr; replaces isoleucine 852 with threonine.
Molecular consequence: missense variant.
Genome position (GRCh38, 1-based): chr11:47,337,438, A>G on the plus strand (T>C on the coding strand, the complement: MYBPC3 is on the minus strand). VCF-style: chr11-47337438-A-G. GRCh37 (hg19) VCF-style: chr11-47358989-A-G.
Other names: short protein forms I852T.
Identifiers: ClinVar variation 1464099 (VCV001464099.8), dbSNP rs2142855179, ClinGen allele CA380318140.

ClinVar aggregate classification (germline): Uncertain significance (1 of 4 stars; one submission).

Conditions:
Hypertrophic cardiomyopathy. Also called: HYPERTROPHIC MYOCARDIOPATHY. Identifiers: Orphanet 217569, MedGen C0007194, MeSH D002312, MONDO:0005045, HP:0001639.

Submission:

Labcorp Genetics (formerly Invitae), Labcorp
Classification: Uncertain significance for Hypertrophic cardiomyopathy. Last evaluated: 2021-05-01. Review status: criteria provided, single submitter. Criteria: Invitae Variant Classification Sherloc (09022015). Collection method: clinical testing. Allele origin: germline.
Comment: In summary, the available evidence is currently insufficient to determine the role of this variant in disease. Therefore, it has been classified as a Variant of Uncertain Significance. Algorithms developed to predict the effect of missense changes on protein structure and function (SIFT, PolyPhen-2, Align-GVGD) all suggest that this variant is likely to be disruptive, but these predictions have not been confirmed by published functional studies and their clinical significance is uncertain. This variant has not been reported in the literature in individuals with MYBPC3-related conditions. This variant is not present in population databases (ExAC no frequency). This sequence change replaces isoleucine with threonine at codon 852 of the MYBPC3 protein (p.Ile852Thr). The isoleucine residue is moderately conserved and there is a moderate physicochemical difference between isoleucine and threonine.